The following is an entry in ClinVar:

ClinVar aggregate classification (germline): Likely benign (1 of 4 stars; one submission).

Submission:

GeneDx
Classification: Likely benign. Last evaluated: 2016-02-16. Review status: criteria provided, single submitter. Criteria: GeneDx Variant Classification (06012015). Collection method: clinical testing. Allele origin: germline. Affected: yes.
Comment: This variant is considered likely benign or benign based on one or more of the following criteria: it is a conservative change, it occurs at a poorly conserved position in the protein, it is predicted to be benign by multiple in silico algorithms, and/or has population frequency not consistent with disease.

NM_000214.3(JAG1):c.*2A>G

Gene: JAG1 (jagged canonical Notch ligand 1; minus strand). Cytogenetic location: 20p12.2.
Variant type: single nucleotide variant.
Coding change: c.*2A>G on transcript NM_000214.3 (MANE Select); 2 bases downstream of the stop codon, A replaced by G.
Molecular consequence: 3 prime UTR variant.
Genome position (GRCh38, 1-based): chr20:10,639,496, T>C on the plus strand (A>G on the coding strand, the complement: JAG1 is on the minus strand). VCF-style: chr20-10639496-T-C. GRCh37 (hg19) VCF-style: chr20-10620144-T-C.
Other names: c.*2A>G (LRG_1191t1).
Identifiers: ClinVar variation 246431 (VCV000246431.1), dbSNP rs879254256, ClinGen allele CA10584623.